The following is an entry in ClinVar:

ClinVar aggregate classification (germline): Conflicting classifications of pathogenicity. Review status: criteria provided, conflicting classifications (1 of 4 stars). 6 submissions from 6 submitters: Uncertain significance (4); Benign (1). 1 of the submissions does not count toward it. Last evaluated 2026-10-19.

Conditions:
Ullrich congenital muscular dystrophy 1A. Also called: Ullrich congenital muscular dystrophy 1; Intermediate COL6-RD. Identifiers: Orphanet 75840, MedGen C0410179, MONDO:0009681, OMIM 254090.
Bethlem myopathy 1A. Also called: Bethlem myopathy 1; Bethlem Muscular Dystrophy; MYOPATHY, BENIGN CONGENITAL, WITH CONTRACTURES. Identifiers: Orphanet 610, MedGen CN029274, MONDO:0024530, OMIM 158810.

Allele frequency attached by ClinVar (database versions not stated): TOPMed 0.00014; 1000 Genomes Project 30x 0.00016; gnomAD exomes 0.00018 and 0.00022; ESP Exome Variant Server 0.00008; 1000 Genomes Project 0.00020; gnomAD 0.00021; ExAC 0.00023.

Submissions (6):

GeneDx
Classification: Uncertain significance. Last evaluated: 2026-10-19. Review status: criteria provided, single submitter. Criteria: GeneDx Variant Classification Process June 2021. Collection method: clinical testing. Allele origin: germline.
Comment: In silico analysis suggests that this missense variant does not alter protein structure/function; Has not been previously published as pathogenic or benign to our knowledge

Labcorp Genetics (formerly Invitae), Labcorp
Classification: Benign for Bethlem myopathy 1A. Last evaluated: 2025-11-15. Review status: criteria provided, single submitter. Criteria: Invitae Variant Classification Sherloc (09022015). Collection method: clinical testing. Allele origin: germline.

Revvity Omics, Revvity
Classification: Uncertain significance. Last evaluated: 2025-05-26. Review status: criteria provided, single submitter. Criteria: ACMG Guidelines, 2015. Collection method: clinical testing. Allele origin: germline.

Genetic Services Laboratory, University of Chicago
Classification: Uncertain significance. Last evaluated: 2022-01-06. Review status: criteria provided, single submitter. Criteria: ACMG Guidelines, 2015. Collection method: clinical testing. Allele origin: germline. Affected: no.

Eurofins Ntd Llc (ga)
Classification: Uncertain significance. Last evaluated: 2016-09-26. Review status: criteria provided, single submitter. Criteria: EGL Classification Definitions 2015. Collection method: clinical testing. Allele origin: germline. Observed: 2 variant alleles, 2 heterozygotes.

Zotz-Klimas Genetics Lab, MVZ Zotz Klimas
Classification: Uncertain significance for Ullrich congenital muscular dystrophy 1A. Last evaluated: 2023-11-02. Review status: no assertion criteria provided. Collection method: clinical testing. Allele origin: germline. Affected: yes. Not counted in ClinVar's aggregate classification.

NM_001849.4(COL6A2):c.1585G>A (p.Glu529Lys)

Gene: COL6A2 (collagen type VI alpha 2 chain; plus strand). Cytogenetic location: 21q22.3.
Variant type: single nucleotide variant.
Coding change: c.1585G>A on transcript NM_001849.4 (MANE Select); coding-DNA position 1585, G replaced by A.
Protein change: p.Glu529Lys; replaces glutamic acid 529 with lysine.
Molecular consequence: missense variant.
Genome position (GRCh38, 1-based): chr21:46,122,508, G>A. VCF-style: chr21-46122508-G-A. GRCh37 (hg19) VCF-style: chr21-47542422-G-A.
Other names: c.1585G>A, p.Glu529Lys (NM_058174.3, NM_058175.3); short protein forms E529K.
Identifiers: ClinVar variation 290491 (VCV000290491.26), dbSNP rs200667230, ClinGen allele CA10072010.